The following is an entry in ClinVar:

NM_000169.3(GLA):c.370-10C>T

Genes: GLA (galactosidase alpha; minus strand), RPL36A-HNRNPH2 (RPL36A-HNRNPH2 readthrough; plus strand). Cytogenetic location: Xq22.1.
Variant type: single nucleotide variant.
Coding change: c.370-10C>T on transcript NM_000169.3 (MANE Select); 10 bases into the intron before coding-DNA position 370, C replaced by T.
Molecular consequence: intron variant.
Genome position (GRCh38, 1-based): chrX:101,401,819, G>A on the plus strand (C>T on the coding strand, the complement: GLA is on the minus strand). VCF-style: chrX-101401819-G-A. GRCh37 (hg19) VCF-style: chrX-100656807-G-A.
Other names: c.300+6362G>A (NM_001199973.2); c.177+9997G>A (NM_001199974.2); c.493-10C>T (NM_001406747.1, NM_001406749.1); c.370-10C>T (NM_001406748.1).
Identifiers: ClinVar variation 4087105 (VCV004087105.2).
Genomic context (GRCh38, chrX:101,401,819, plus strand): 5'-TTTATTTCCAACATCTGCATAAATCCCTAGCTTCAGTCCTTTGCTGTGAACCTGAAATGA[G>A]AGGGAGGAAAAGAGTCACCATTGTAGAAGCACAATCGTGAGGTAGCAGAAAGAGAGAACC-3'

ClinVar aggregate classification (germline): Uncertain significance (1 of 4 stars; one submission).

Conditions:
Fabry disease. Also called: ALPHA-GALACTOSIDASE A DEFICIENCY; ANDERSON-FABRY DISEASE; CERAMIDE TRIHEXOSIDASE DEFICIENCY; GLA DEFICIENCY; HEREDITARY DYSTOPIC LIPIDOSIS; Angiokeratoma corporis diffusum. Identifiers: Orphanet 324, MedGen C0002986, MONDO:0010526, OMIM 301500, HP:0001071. Disease mechanism: Fabry disease is due to inactivating mutations in the X-linked GLA gene resulting in deficiency of the enzyme Alpha Galactosidase-A., loss of function.

Submission:

Genomenon, Inc
Classification: Uncertain significance for Fabry disease. Last evaluated: 2026-09-08. Review status: criteria provided, single submitter. Criteria: Genomenon Sequence Variant Interpretation Standards - Updated. Collection method: curation. Allele origin: germline. Affected: no.
Comment: GLA c.370-10C>T is an intronic variant located in the acceptor splice region of intron 2. This variant has been reported in the published literature (PMID:35971858). It is absent or not present at a significant frequency in gnomAD. In silico models predict that this variant is not damaging. In conclusion, we classify GLA c.370-10C>T as a variant of uncertain significance.

Literature cited by the submitters: PubMed 35971858.